The following is an entry in ClinVar:

ClinVar aggregate classification (germline): Uncertain significance (1 of 4 stars; one submission).

Submission:

Ambry Genetics
Classification: Uncertain significance. Last evaluated: 2024-08-12. Review status: criteria provided, single submitter. Criteria: Ambry Variant Classification Scheme 2023. Collection method: clinical testing. Allele origin: germline.
Comment: The p.D903V variant (also known as c.2708A>T), located in coding exon 1 of the MLH3 gene, results from an A to T substitution at nucleotide position 2708. The aspartic acid at codon 903 is replaced by valine, an amino acid with highly dissimilar properties. This amino acid position is conserved. In addition, the in silico prediction for this alteration is inconclusive. Based on the available evidence, the clinical significance of this variant remains unclear.

NM_001040108.2(MLH3):c.2708A>T (p.Asp903Val)

Gene: MLH3 (mutL homolog 3; minus strand). Cytogenetic location: 14q24.3.
Variant type: single nucleotide variant.
Coding change: c.2708A>T on transcript NM_001040108.2 (MANE Select); coding-DNA position 2708, A replaced by T.
Protein change: p.Asp903Val; replaces aspartic acid 903 with valine.
Molecular consequence: missense variant.
Genome position (GRCh38, 1-based): chr14:75,046,948, T>A on the plus strand (A>T on the coding strand, the complement: MLH3 is on the minus strand). VCF-style: chr14-75046948-T-A. GRCh37 (hg19) VCF-style: chr14-75513651-T-A.
Other names: c.2708A>T, p.Asp903Val (NM_014381.3); short protein forms D903V.
Identifiers: ClinVar variation 3396686 (VCV003396686.1).